The following is an entry in ClinVar:

ClinVar aggregate classification (germline): Conflicting classifications of pathogenicity. Review status: criteria provided, conflicting classifications (1 of 4 stars). 2 submissions from 2 submitters: Uncertain significance (1); Likely benign (1). Last evaluated 2026-03-15.

Conditions:
Cardiovascular phenotype. Identifiers: MedGen CN230736.
Long QT syndrome (LQTS). Identifiers: MedGen C0023976, MeSH D008133, MONDO:0002442. Disease mechanism: loss of function. Inheritance: Various modes of inheritance.

Allele frequency attached by ClinVar (database versions not stated): gnomAD exomes 0.00002; ExAC 0.00002.
gnomAD v4.1: 22 of 1,612,578 alleles (0.0014%); highest among the groups gnomAD compares: South Asian, 0.021%; 1 homozygote.

Submissions (2):

Ambry Genetics
Classification: Likely benign for Cardiovascular phenotype. Last evaluated: 2026-03-15. Review status: criteria provided, single submitter. Criteria: Ambry Variant Classification Scheme 2023. Collection method: clinical testing. Allele origin: germline.

Labcorp Genetics (formerly Invitae), Labcorp
Classification: Uncertain significance for Long QT syndrome. Last evaluated: 2025-01-28. Review status: criteria provided, single submitter. Criteria: Invitae Variant Classification Sherloc (09022015). Collection method: clinical testing. Allele origin: germline.
Comment: This sequence change replaces glutamic acid, which is acidic and polar, with aspartic acid, which is acidic and polar, at codon 1820 of the CACNA1C protein (p.Glu1820Asp). This variant is present in population databases (rs776928313, gnomAD 0.01%). This variant has not been reported in the literature in individuals affected with CACNA1C-related conditions. ClinVar contains an entry for this variant (Variation ID: 1509828). Invitae Evidence Modeling of protein sequence and biophysical properties (such as structural, functional, and spatial information, amino acid conservation, physicochemical variation, residue mobility, and thermodynamic stability) indicates that this missense variant is not expected to disrupt CACNA1C protein function with a negative predictive value of 95%. In summary, the available evidence is currently insufficient to determine the role of this variant in disease. Therefore, it has been classified as a Variant of Uncertain Significance.

NM_000719.7(CACNA1C):c.5460G>C (p.Glu1820Asp)

Genes: CACNA1C (calcium voltage-gated channel subunit alpha1 C; plus strand), CACNA1C-AS1 (CACNA1C antisense RNA 1; minus strand). Cytogenetic location: 12p13.33.
Variant type: single nucleotide variant.
Coding change: c.5460G>C on transcript NM_000719.7 (MANE Select); coding-DNA position 5460, G replaced by C.
Protein change: p.Glu1820Asp; replaces glutamic acid 1820 with aspartic acid.
Molecular consequence: missense variant.
Genome position (GRCh38, 1-based): chr12:2,682,565, G>C. VCF-style: chr12-2682565-G-C. GRCh37 (hg19) VCF-style: chr12-2791731-G-C.
Other names: c.5604G>C, p.Glu1868Asp (NM_001129827.2); c.5583G>C, p.Glu1861Asp (NM_001129829.2); c.5565G>C, p.Glu1855Asp (NM_001129830.3, NM_001167624.3); c.5544G>C, p.Glu1848Asp (NM_001129831.2); c.5520G>C, p.Glu1840Asp (NM_001129832.2); c.5517G>C, p.Glu1839Asp (NM_001129833.2, NM_001129834.2, NM_001129835.2); c.5511G>C, p.Glu1837Asp (NM_001129836.2); c.5484G>C, p.Glu1828Asp (NM_001129837.2, NM_001129838.2); and 7 more; short protein forms E1809D, E1820D, E1828D, E1861D, E1880D, E1826D, E1837D, E1840D.
Identifiers: ClinVar variation 1509828 (VCV001509828.9), dbSNP rs776928313, ClinGen allele CA6389871.